The following is an entry in ClinVar:

NM_004260.4(RECQL4):c.179G>T (p.Arg60Leu)

Genes: RECQL4 (RecQ like helicase 4; minus strand), LOC130001411 (ATAC-STARR-seq lymphoblastoid silent region 19699; plus strand). Cytogenetic location: 8q24.3.
Variant type: single nucleotide variant.
Coding change: c.179G>T on transcript NM_004260.4 (MANE Select); coding-DNA position 179, G replaced by T.
Protein change: p.Arg60Leu; replaces arginine 60 with leucine.
Molecular consequence: missense variant.
Genome position (GRCh38, 1-based): chr8:144,517,448, C>A on the plus strand (G>T on the coding strand, the complement: RECQL4 is on the minus strand). VCF-style: chr8-144517448-C-A. GRCh37 (hg19) VCF-style: chr8-145742832-C-A.
Other names: c.179G>T (NM_004260.3); short protein forms R60L.
Identifiers: ClinVar variation 1035412 (VCV001035412.4), dbSNP rs1060501374, ClinGen allele CA372692595.

ClinVar aggregate classification (germline): Uncertain significance. Review status: criteria provided, multiple submitters, no conflicts (2 of 4 stars). 2 submissions from 2 submitters: Uncertain significance (2). Last evaluated 2026-03-04.

Conditions:
Inborn genetic diseases. Identifiers: MedGen C0950123, MeSH D030342.
Baller-Gerold syndrome (BGS). Also called: CRANIOSYNOSTOSIS WITH RADIAL DEFECTS. Identifiers: Orphanet 1225, MedGen C0265308, MONDO:0009039, OMIM 218600.

gnomAD v4.1: 2 of 1,592,106 alleles (0.00013%); highest among the groups gnomAD compares: Non-Finnish European, 0.00017%; no homozygotes.

Submissions (2):

Ambry Genetics
Classification: Uncertain significance for Inborn genetic diseases. Last evaluated: 2026-03-04. Review status: criteria provided, single submitter. Criteria: Ambry Variant Classification Scheme 2023. Collection method: clinical testing. Allele origin: germline.
Comment: The p.R60L variant (also known as c.179G>T), located in coding exon 3 of the RECQL4 gene, results from a G to T substitution at nucleotide position 179. The arginine at codon 60 is replaced by leucine, an amino acid with dissimilar properties. This amino acid position is conserved. In addition, this alteration is predicted to be tolerated by in silico analysis. Based on the available evidence, the clinical significance of this variant remains unclear.

Labcorp Genetics (formerly Invitae), Labcorp
Classification: Uncertain significance for Baller-Gerold syndrome. Last evaluated: 2023-09-06. Review status: criteria provided, single submitter. Criteria: Invitae Variant Classification Sherloc (09022015). Collection method: clinical testing. Allele origin: germline.
Comment: This sequence change replaces arginine, which is basic and polar, with leucine, which is neutral and non-polar, at codon 60 of the RECQL4 protein (p.Arg60Leu). This variant is not present in population databases (gnomAD no frequency). This variant has not been reported in the literature in individuals affected with RECQL4-related conditions. ClinVar contains an entry for this variant (Variation ID: 1035412). Experimental studies and prediction algorithms are not available or were not evaluated, and the functional significance of this variant is currently unknown. In summary, the available evidence is currently insufficient to determine the role of this variant in disease. Therefore, it has been classified as a Variant of Uncertain Significance.